The following is an entry in ClinVar:

ClinVar aggregate classification (germline): Uncertain significance (1 of 4 stars; one submission).

Conditions:
Inborn genetic diseases. Identifiers: MedGen C0950123, MeSH D030342.

Submission:

Ambry Genetics
Classification: Uncertain significance for Inborn genetic diseases. Last evaluated: 2026-07-17. Review status: criteria provided, single submitter. Criteria: Ambry Variant Classification Scheme 2023. Collection method: clinical testing. Allele origin: germline.
Comment: The p.K676T variant (also known as c.2027A>C), located in coding exon 12 of the FANCM gene, results from an A to C substitution at nucleotide position 2027. The lysine at codon 676 is replaced by threonine, an amino acid with similar properties. This amino acid position is conserved. In addition, this alteration is predicted to be tolerated by in silico analysis. Based on the available evidence, the clinical significance of this variant remains unclear.

NM_020937.4(FANCM):c.2027A>C (p.Lys676Thr)

Gene: FANCM (FA complementation group M; plus strand). Cytogenetic location: 14q21.2.
Variant type: single nucleotide variant.
Coding change: c.2027A>C on transcript NM_020937.4 (MANE Select); coding-DNA position 2027, A replaced by C.
Protein change: p.Lys676Thr; replaces lysine 676 with threonine.
Molecular consequence: missense variant.
Genome position (GRCh38, 1-based): chr14:45,170,613, A>C. VCF-style: chr14-45170613-A-C. GRCh37 (hg19) VCF-style: chr14-45639816-A-C.
Other names: c.1949A>C, p.Lys650Thr (NM_001308133.2); short protein forms K676T, K650T.
Identifiers: ClinVar variation 5036620 (VCV005036620.1).